The following is an entry in ClinVar:

ClinVar aggregate classification (germline): Likely benign (1 of 4 stars; one submission).

Allele frequency attached by ClinVar (database versions not stated): 1000 Genomes Project 30x 0.00187; 1000 Genomes Project 0.00200; TOPMed 0.00269; gnomAD 0.00271; ExAC 0.00345; ESP Exome Variant Server 0.00370; gnomAD exomes 0.00421.
gnomAD v4.1: 6,552 of 1,614,186 alleles (0.41%); highest among the groups gnomAD compares: Middle Eastern, 1.5%; 29 homozygotes.

Submission:

CeGaT Center for Human Genetics Tuebingen
Classification: Likely benign. Last evaluated: 2023-05-01. Review status: criteria provided, single submitter. Criteria: CeGaT Center For Human Genetics Tuebingen Variant Classification Criteria Version 2. Collection method: clinical testing. Allele origin: germline. Affected: yes. Observed: 1 variant allele.
Comment: MORC3: BP4, BP7, BS2

NM_015358.3(MORC3):c.1284A>G (p.Gln428=)

Gene: MORC3 (MORC family CW-type zinc finger 3; plus strand). Cytogenetic location: 21q22.12.
Variant type: single nucleotide variant.
Coding change: c.1284A>G on transcript NM_015358.3 (MANE Select); coding-DNA position 1284, A replaced by G.
Protein change: p.Gln428=; no amino-acid change (glutamine 428 retained).
Molecular consequence: synonymous variant.
Genome position (GRCh38, 1-based): chr21:36,360,030, A>G. VCF-style: chr21-36360030-A-G. GRCh37 (hg19) VCF-style: chr21-37732328-A-G.
Other names: c.1071A>G, p.Gln357= (NM_001320445.2, NM_001320446.2).
Identifiers: ClinVar variation 2652646 (VCV002652646.24), dbSNP rs192090360, ClinGen allele CA10018253.